The following is an entry in ClinVar:

ClinVar aggregate classification (germline): Uncertain significance (1 of 4 stars; one submission).

Conditions:
Tuberous sclerosis 1 (TSC1). Identifiers: Orphanet 805, MedGen C1854465, MONDO:0008612, OMIM 191100.

gnomAD v4.1: 1 of 1,613,984 alleles (0.000062%); highest among the groups gnomAD compares: South Asian, 0.0011%; no homozygotes.

Submission:

Labcorp Genetics (formerly Invitae), Labcorp
Classification: Uncertain significance for Tuberous sclerosis 1. Last evaluated: 2023-12-19. Review status: criteria provided, single submitter. Criteria: Invitae Variant Classification Sherloc (09022015). Collection method: clinical testing. Allele origin: germline.
Comment: This sequence change replaces isoleucine, which is neutral and non-polar, with methionine, which is neutral and non-polar, at codon 688 of the TSC1 protein (p.Ile688Met). This variant is not present in population databases (gnomAD no frequency). This variant has not been reported in the literature in individuals affected with TSC1-related conditions. Advanced modeling of protein sequence and biophysical properties (such as structural, functional, and spatial information, amino acid conservation, physicochemical variation, residue mobility, and thermodynamic stability) performed at Invitae indicates that this missense variant is not expected to disrupt TSC1 protein function with a negative predictive value of 95%. In summary, the available evidence is currently insufficient to determine the role of this variant in disease. Therefore, it has been classified as a Variant of Uncertain Significance.

NM_000368.5(TSC1):c.2064C>G (p.Ile688Met)

Gene: TSC1 (TSC complex subunit 1; minus strand). Cytogenetic location: 9q34.13.
Variant type: single nucleotide variant.
Coding change: c.2064C>G on transcript NM_000368.5 (MANE Select); coding-DNA position 2064, C replaced by G.
Protein change: p.Ile688Met; replaces isoleucine 688 with methionine.
Molecular consequence: missense variant. On other transcripts: non-coding transcript variant (4).
Genome position (GRCh38, 1-based): chr9:132,903,795, G>C on the plus strand (C>G on the coding strand, the complement: TSC1 is on the minus strand). VCF-style: chr9-132903795-G-C. GRCh37 (hg19) VCF-style: chr9-135779182-G-C.
Other names: c.2061C>G, p.Ile687Met (NM_001406597.1, NM_001406598.1, NM_001406599.1 and 4 more transcripts); c.2049C>G, p.Ile683Met (NM_001406601.1, NM_001406602.1); c.2046C>G, p.Ile682Met (NM_001406603.1, NM_001406604.1); c.2064C>G, p.Ile688Met (NM_001406605.1, NM_001406592.1, NM_001406593.1 and 5 more transcripts); c.1701C>G, p.Ile567Met (NM_001406616.1, NM_001406617.1, NM_001406618.1 and 5 more transcripts); c.1698C>G, p.Ile566Met (NM_001406620.1, NM_001406621.1, NM_001406622.1 and 2 more transcripts); c.1113C>G, p.Ile371Met (NM_001406626.1); c.1110C>G, p.Ile370Met (NM_001406627.1, NM_001406628.1); and 3 more; short protein forms I566M, I636M, I337M, I371M, I567M, I637M, I682M, I370M.
Identifiers: ClinVar variation 2704095 (VCV002704095.3), dbSNP rs878853963, ClinGen allele CA375361125.